The following is an entry in ClinVar:

ClinVar aggregate classification (germline): Benign. Review status: criteria provided, multiple submitters, no conflicts (2 of 4 stars). 2 submissions from 2 submitters: Benign (2). Last evaluated 2024-01-24.

Allele frequency attached by ClinVar (database versions not stated): gnomAD 0.14061 and 0.14777; TOPMed 0.14675; gnomAD exomes 0.16416; 1000 Genomes Project 30x 0.21783; 1000 Genomes Project 0.22185.

Submissions (2):

Unidad de Genómica Garrahan, Hospital de Pediatría Garrahan
Classification: Benign. Last evaluated: 2024-01-24. Review status: criteria provided, single submitter. Criteria: ACMG Guidelines, 2015. Collection method: clinical testing. Allele origin: germline. Affected: no. Observed: 28 variant alleles.
Comment: This variant is classified as Benign based on local population frequency. This variant was detected in 32% of patients studied by a panel of primary immunodeficiencies. Number of patients: 28. Only high quality variants are reported.

GeneDx
Classification: Benign. Last evaluated: 2021-05-16. Review status: criteria provided, single submitter. Criteria: GeneDx Variant Classification Process June 2021. Collection method: clinical testing. Allele origin: germline. Affected: yes.

NM_002661.5(PLCG2):c.480-89del

Gene: PLCG2 (phospholipase C gamma 2; plus strand). Cytogenetic location: 16q23.3.
Variant type: Deletion.
Coding change: c.480-89del on transcript NM_002661.5 (MANE Select); 89 bases into the intron before coding-DNA position 480, one base deleted (C; older notation c.480-89delC).
Molecular consequence: intron variant.
Genome position (GRCh38, 1-based): chr16:81,869,125, C deleted. VCF-style (leftmost placement, unchanged base first): chr16-81869124-GC-G. GRCh37 (hg19) VCF-style: chr16-81902729-GC-G.
Identifiers: ClinVar variation 1177959 (VCV001177959.4), dbSNP rs77062887, ClinGen allele CA285186959.